The following is an entry in ClinVar:

ClinVar aggregate classification (germline): Pathogenic. Review status: criteria provided, single submitter (1 of 4 stars). 2 submissions from 2 submitters: Pathogenic (1). 1 of the submissions does not count toward it. Last evaluated 2023-11-29.

Conditions:
Tuberous sclerosis 2 (TSC2). Identifiers: Orphanet 805, MedGen C1860707, MONDO:0013199, OMIM 613254.
Tuberous sclerosis syndrome (TSC). Also called: Tuberous Sclerosis Complex; Tuberous sclerosis. Identifiers: Orphanet 805, MedGen C0041341, MONDO:0001734.

Submissions (2):

Labcorp Genetics (formerly Invitae), Labcorp
Classification: Pathogenic for Tuberous sclerosis 2. Last evaluated: 2023-11-29. Review status: criteria provided, single submitter. Criteria: Invitae Variant Classification Sherloc (09022015). Collection method: clinical testing. Allele origin: germline.
Comment: This sequence change replaces arginine, which is basic and polar, with proline, which is neutral and non-polar, at codon 1743 of the TSC2 protein (p.Arg1743Pro). This variant is not present in population databases (gnomAD no frequency). This missense change has been observed in individuals with tuberous sclerosis complex (PMID: 10205261; Invitae). ClinVar contains an entry for this variant (Variation ID: 49961). Advanced modeling of protein sequence and biophysical properties (such as structural, functional, and spatial information, amino acid conservation, physicochemical variation, residue mobility, and thermodynamic stability) performed at Invitae indicates that this missense variant is expected to disrupt TSC2 protein function with a positive predictive value of 95%. This variant disrupts the p.Arg1743 amino acid residue in TSC2. Other variant(s) that disrupt this residue have been determined to be pathogenic (PMID: 10732801, 16114042, 18854862, 20165957, 21309039). This suggests that this residue is clinically significant, and that variants that disrupt this residue are likely to be disease-causing. For these reasons, this variant has been classified as Pathogenic.

Tuberous sclerosis database (TSC2)
No classification provided. Condition: TSC. Review status: no classification provided. Criteria: Tuberous Sclerosis Database Assertion Criteria 2015. Collection method: curation. Allele origin: germline. Affected: yes. Not counted in ClinVar's aggregate classification.

Literature cited by the submitters: PubMed 10205261 (cited by Labcorp Genetics (formerly Invitae), Labcorp); PubMed 10732801 (cited by Labcorp Genetics (formerly Invitae), Labcorp); PubMed 16114042 (cited by Labcorp Genetics (formerly Invitae), Labcorp); PubMed 18854862 (cited by Labcorp Genetics (formerly Invitae), Labcorp); PubMed 20165957 (cited by Labcorp Genetics (formerly Invitae), Labcorp); PubMed 21309039 (cited by Labcorp Genetics (formerly Invitae), Labcorp).

NM_000548.5(TSC2):c.5228G>C (p.Arg1743Pro)

Gene: TSC2 (TSC complex subunit 2; plus strand). Cytogenetic location: 16p13.3.
Variant type: single nucleotide variant.
Coding change: c.5228G>C on transcript NM_000548.5 (MANE Select); coding-DNA position 5228, G replaced by C.
Protein change: p.Arg1743Pro; replaces arginine 1743 with proline.
Molecular consequence: missense variant.
Genome position (GRCh38, 1-based): chr16:2,088,294, G>C. VCF-style: chr16-2088294-G-C. GRCh37 (hg19) VCF-style: chr16-2138295-G-C.
Other names: c.5027G>C, p.Arg1676Pro (NM_001077183.3); c.5159G>C, p.Arg1720Pro (NM_001114382.3); c.4919G>C, p.Arg1640Pro (NM_001318827.2); c.4883G>C, p.Arg1628Pro (NM_001318829.2); c.4496G>C, p.Arg1499Pro (NM_001318831.2); c.5060G>C, p.Arg1687Pro (NM_001318832.2); c.5030G>C, p.Arg1677Pro (NM_001363528.2); c.5096G>C, p.Arg1699Pro (NM_001370404.1); and 2 more; short protein forms R1743P, R1640P, R1699P, R1720P, R1499P, R1628P, R1677P, R1687P.
Identifiers: ClinVar variation 49961 (VCV000049961.5), dbSNP rs45507199, ClinGen allele CA022224.